The following is an entry in ClinVar:

NM_020745.4(AARS2):c.682C>T (p.Leu228Phe)

Gene: AARS2 (alanyl-tRNA synthetase 2, mitochondrial; minus strand). Cytogenetic location: 6p21.1.
Variant type: single nucleotide variant.
Coding change: c.682C>T on transcript NM_020745.4 (MANE Select); coding-DNA position 682, C replaced by T.
Protein change: p.Leu228Phe; replaces leucine 228 with phenylalanine.
Molecular consequence: missense variant.
Genome position (GRCh38, 1-based): chr6:44,311,061, G>A on the plus strand (C>T on the coding strand, the complement: AARS2 is on the minus strand). VCF-style: chr6-44311061-G-A. GRCh37 (hg19) VCF-style: chr6-44278798-G-A.
Other names: short protein forms L228F.
Identifiers: ClinVar variation 1951603 (VCV001951603.5), dbSNP rs777946802, ClinGen allele CA3834573.
Genomic context (GRCh38, chr6:44,311,061, plus strand): 5'-GTTGCATGAAGACCAGGTTCCAAAGCTCTACCAGCTGGGGGGCTCCCACCCCACCAGCAA[G>A]GTCGTAGTGGATCTCAGTACAGGGCCCACAAGGGCCAGTATCCCCCATCTCCCAGAAGTT-3'
Protein context (NP_065796.2, residues 218-238): CGPCTEIHYD[Leu228Phe]AGGVGAPQLV

ClinVar aggregate classification (germline): Uncertain significance (1 of 4 stars; one submission).

Allele frequency attached by ClinVar (database versions not stated): gnomAD exomes below 0.00001; TOPMed 0.00001; ExAC 0.00001.

Submission:

Labcorp Genetics (formerly Invitae), Labcorp
Classification: Uncertain significance. Last evaluated: 2025-10-22. Review status: criteria provided, single submitter. Criteria: Invitae Variant Classification Sherloc (09022015). Collection method: clinical testing. Allele origin: germline.
Comment: This sequence change replaces leucine, which is neutral and non-polar, with phenylalanine, which is neutral and non-polar, at codon 228 of the AARS2 protein (p.Leu228Phe). This variant is present in population databases (rs777946802, gnomAD 0.01%). This variant has not been reported in the literature in individuals affected with AARS2-related conditions. ClinVar contains an entry for this variant (Variation ID: 1951603). Invitae Evidence Modeling of protein sequence and biophysical properties (such as structural, functional, and spatial information, amino acid conservation, physicochemical variation, residue mobility, and thermodynamic stability) indicates that this missense variant is not expected to disrupt AARS2 protein function with a negative predictive value of 80%. In summary, the available evidence is currently insufficient to determine the role of this variant in disease. Therefore, it has been classified as a Variant of Uncertain Significance.